The following is an entry in ClinVar:

NM_000215.4(JAK3):c.1610G>A (p.Arg537Gln)

Gene: JAK3 (Janus kinase 3; minus strand). Cytogenetic location: 19p13.11.
Variant type: single nucleotide variant.
Coding change: c.1610G>A on transcript NM_000215.4 (MANE Select); coding-DNA position 1610, G replaced by A.
Protein change: p.Arg537Gln; replaces arginine 537 with glutamine.
Molecular consequence: missense variant.
Genome position (GRCh38, 1-based): chr19:17,838,023, C>T on the plus strand (G>A on the coding strand, the complement: JAK3 is on the minus strand). VCF-style: chr19-17838023-C-T. GRCh37 (hg19) VCF-style: chr19-17948832-C-T.
Other names: short protein forms R537Q.
Identifiers: ClinVar variation 134567 (VCV000134567.1), dbSNP rs587778413, ClinGen allele CA160207.
Genomic context (GRCh38, chr19:17,838,023, plus strand): 5'-ACCTTCAGCAGCACCTCTGTCTTTCGGGCCTCCCCATCCACCACCTCATGGCGACAGCCC[C>T]GGTAAATCTTGGTGAAGGACCCATGGCCCAGGTTCTCATGCTGAATGGTGAGGGGACAGC-3'
Protein context (NP_000206.2, residues 527-547): LGHGSFTKIY[Arg537Gln]GCRHEVVDGE

ClinVar aggregate classification (germline): not provided (0 of 4 stars; one submission).

Allele frequency attached by ClinVar (database versions not stated): TOPMed 0.00002; ExAC 0.00004; gnomAD exomes 0.00004 and 0.00005.

Submission:

ITMI
No classification provided. Condition: AllHighlyPenetrant. Last evaluated: 2013-09-19. Review status: no classification provided. Collection method: reference population. Allele origin: germline.
Comment: Please see associated publication for description of ethnicities

Literature cited by the submitters: PubMed 24728327.